The following is an entry in ClinVar:

ClinVar aggregate classification (germline): Uncertain significance. Review status: criteria provided, multiple submitters, no conflicts (2 of 4 stars). 2 submissions from 2 submitters: Uncertain significance (2). Last evaluated 2021-10-15.

Conditions:
Hereditary cancer-predisposing syndrome. Also called: Tumor predisposition; Hereditary neoplastic syndrome; Neoplastic Syndromes, Hereditary; Hereditary Cancer Syndrome. Identifiers: Orphanet 140162, MedGen C0027672, MeSH D009386, MONDO:0015356.
Hereditary breast ovarian cancer syndrome. Also called: BRCA1- and BRCA2-Associated Hereditary Breast and Ovarian Cancer; Hereditary breast and ovarian cancer; Hereditary breast and/or ovarian cancer syndrome; Hereditary breast and ovarian cancer syndrome; Hereditary breast and ovarian cancer syndrome (HBOC); Breast and ovarian cancer. Identifiers: Orphanet 145, MedGen C0677776, MeSH D061325, MONDO:0003582. Disease mechanism: loss of function.

Submissions (2):

Ambry Genetics
Classification: Uncertain significance for Hereditary cancer-predisposing syndrome. Last evaluated: 2021-10-15. Review status: criteria provided, single submitter. Criteria: Ambry Variant Classification Scheme 2023. Collection method: clinical testing. Allele origin: germline.
Comment: The p.D1482N variant (also known as c.4444G>A), located in coding exon 12 of the BRCA1 gene, results from a G to A substitution at nucleotide position 4444. The aspartic acid at codon 1482 is replaced by asparagine, an amino acid with highly similar properties. This amino acid position is not well conserved in available vertebrate species. In addition, this alteration is predicted to be tolerated by in silico analysis. Since supporting evidence is limited at this time, the clinical significance of this alteration remains unclear.

Labcorp Genetics (formerly Invitae), Labcorp
Classification: Uncertain significance for Hereditary breast ovarian cancer syndrome. Last evaluated: 2021-03-26. Review status: criteria provided, single submitter. Criteria: Invitae Variant Classification Sherloc (09022015). Collection method: clinical testing. Allele origin: germline.
Comment: In summary, the available evidence is currently insufficient to determine the role of this variant in disease. Therefore, it has been classified as a Variant of Uncertain Significance. Advanced modeling of protein sequence and biophysical properties (such as structural, functional, and spatial information, amino acid conservation, physicochemical variation, residue mobility, and thermodynamic stability) performed at Invitae indicates that this missense variant is not expected to disrupt BRCA1 protein function. This variant has not been reported in the literature in individuals with BRCA1-related conditions. This variant is not present in population databases (ExAC no frequency). This sequence change replaces aspartic acid with asparagine at codon 1482 of the BRCA1 protein (p.Asp1482Asn). The aspartic acid residue is moderately conserved and there is a small physicochemical difference between aspartic acid and asparagine.

NM_007294.4(BRCA1):c.4444G>A (p.Asp1482Asn)

Gene: BRCA1 (BRCA1 DNA repair associated; minus strand). Cytogenetic location: 17q21.31.
Variant type: single nucleotide variant.
Coding change: c.4444G>A on transcript NM_007294.4 (MANE Select); coding-DNA position 4444, G replaced by A.
Protein change: p.Asp1482Asn; replaces aspartic acid 1482 with asparagine.
Molecular consequence: missense variant. On other transcripts: non-coding transcript variant (1).
Genome position (GRCh38, 1-based): chr17:43,076,528, C>T on the plus strand (G>A on the coding strand, the complement: BRCA1 is on the minus strand). VCF-style: chr17-43076528-C-T. GRCh37 (hg19) VCF-style: chr17-41228545-C-T.
Other names: c.4441G>A, p.Asp1481Asn (NM_001407617.1, NM_001407618.1, NM_001407619.1 and 17 more transcripts); c.4438G>A, p.Asp1480Asn (NM_001407636.1, NM_001407637.1, NM_001407638.1 and 14 more transcripts); c.4435G>A, p.Asp1479Asn (NM_001407644.1, NM_001407645.1); c.4432G>A, p.Asp1478Asn (NM_001407646.1); c.4363G>A, p.Asp1455Asn (NM_001407658.1, NM_001407656.1, NM_001407657.1); c.4360G>A, p.Asp1454Asn (NM_001407659.1, NM_001407660.1, NM_001407661.1 and 2 more transcripts); c.4321G>A, p.Asp1441Asn (NM_001407664.1, NM_001407665.1, NM_001407666.1 and 6 more transcripts); c.4318G>A, p.Asp1440Asn (NM_001407677.1, NM_001407678.1, NM_001407679.1 and 11 more transcripts); and 68 more; short protein forms D1435N, D1482N, D1503N, D378N, D1313N, D1353N, D1370N, D1394N.
Identifiers: ClinVar variation 1500055 (VCV001500055.11), dbSNP rs2052725872, ClinGen allele CA10592649.
Genomic context (GRCh38, chr17:43,076,528, plus strand): 5'-TTTACATTGATGTTTCTTACCTTTCCACTCCTGGTTCTTTATTTTTACTGGTAGAACTAT[C>T]TGCAGACACCTCAAACTTGTCAGCAGAAAGGCCTTCTGGATTCTGGCTTATAGGGTATTC-3'
Protein context (NP_009225.1, residues 1472-1492): LSADKFEVSA[Asp1482Asn]SSTSKNKEPG